The following is an entry in ClinVar:

NM_014849.5(SV2A):c.1752G>A (p.Pro584=)

Gene: SV2A (synaptic vesicle glycoprotein 2A; minus strand). Cytogenetic location: 1q21.2.
Variant type: single nucleotide variant.
Coding change: c.1752G>A on transcript NM_014849.5 (MANE Select); coding-DNA position 1752, G replaced by A.
Protein change: p.Pro584=; no amino-acid change (proline 584 retained).
Molecular consequence: synonymous variant.
Genome position (GRCh38, 1-based): chr1:149,906,783, C>T on the plus strand (G>A on the coding strand, the complement: SV2A is on the minus strand). VCF-style: chr1-149906783-C-T. GRCh37 (hg19) VCF-style: chr1-149878335-C-T.
Other names: c.108G>A, p.Pro36= (NM_001278719.2); c.1752G>A, p.Pro584= (NM_001328674.2, NM_001328675.2).
Identifiers: ClinVar variation 5039943 (VCV005039943.1).

ClinVar aggregate classification (germline): Likely benign (1 of 4 stars; one submission).

gnomAD v4.1: 43 of 1,614,190 alleles (0.0027%); highest among the groups gnomAD compares: African/African-American, 0.037%; no homozygotes.

Submission:

CeGaT Center for Human Genetics Tuebingen
Classification: Likely benign. Last evaluated: 2026-08-01. Review status: criteria provided, single submitter. Criteria: CeGaT Center For Human Genetics Tuebingen Variant Classification Criteria Version 2. Collection method: clinical testing. Allele origin: germline. Affected: yes. Observed: 1 variant allele.
Comment: SV2A: BP4, BP7